The following is an entry in ClinVar:

NM_001243925.2(MAPKAPK3):c.529A>G (p.Lys177Glu)

Gene: MAPKAPK3 (MAPK activated protein kinase 3; plus strand). Cytogenetic location: 3p21.2.
Variant type: single nucleotide variant.
Coding change: c.529A>G on transcript NM_001243925.2 (MANE Select); coding-DNA position 529, A replaced by G.
Protein change: p.Lys177Glu; replaces lysine 177 with glutamic acid.
Molecular consequence: missense variant.
Genome position (GRCh38, 1-based): chr3:50,644,433, A>G. VCF-style: chr3-50644433-A-G. GRCh37 (hg19) VCF-style: chr3-50681864-A-G.
Other names: c.529A>G, p.Lys177Glu (NM_001243926.2, NM_004635.5); short protein forms K177E.
Identifiers: ClinVar variation 2065145 (VCV002065145.4), dbSNP rs2471703702, ClinGen allele CA352930070.

ClinVar aggregate classification (germline): Uncertain significance (1 of 4 stars; one submission).

Submission:

Labcorp Genetics (formerly Invitae), Labcorp
Classification: Uncertain significance. Last evaluated: 2022-09-06. Review status: criteria provided, single submitter. Criteria: Invitae Variant Classification Sherloc (09022015). Collection method: clinical testing. Allele origin: germline.
Comment: This variant has not been reported in the literature in individuals affected with MAPKAPK3-related conditions. This sequence change replaces lysine, which is basic and polar, with glutamic acid, which is acidic and polar, at codon 177 of the MAPKAPK3 protein (p.Lys177Glu). This variant is not present in population databases (gnomAD no frequency). Algorithms developed to predict the effect of missense changes on protein structure and function are either unavailable or do not agree on the potential impact of this missense change (SIFT: "Deleterious"; PolyPhen-2: "Benign"; Align-GVGD: "Class C0"). In summary, the available evidence is currently insufficient to determine the role of this variant in disease. Therefore, it has been classified as a Variant of Uncertain Significance.